The following is an entry in ClinVar:

NM_000297.4(PKD2):c.22C>G (p.Gln8Glu)

Genes: PKD2 (polycystin 2, transient receptor potential cation channel; plus strand), LOC129992813 (ATAC-STARR-seq lymphoblastoid silent region 15559; plus strand). Cytogenetic location: 4q22.1.
Variant type: single nucleotide variant.
Coding change: c.22C>G on transcript NM_000297.4 (MANE Select); coding-DNA position 22, C replaced by G.
Protein change: p.Gln8Glu; replaces glutamine 8 with glutamic acid.
Molecular consequence: missense variant. On other transcripts: non-coding transcript variant (1).
Genome position (GRCh38, 1-based): chr4:88,007,755, C>G. VCF-style: chr4-88007755-C-G. GRCh37 (hg19) VCF-style: chr4-88928907-C-G.
Other names: short protein forms Q8E.
Identifiers: ClinVar variation 3661851 (VCV003661851.2).

ClinVar aggregate classification (germline): Uncertain significance (1 of 4 stars; one submission).

Conditions:
Autosomal dominant polycystic kidney disease. Identifiers: Orphanet 730, MedGen C0085413, MONDO:0004691.

Submission:

Labcorp Genetics (formerly Invitae), Labcorp
Classification: Uncertain significance for Autosomal dominant polycystic kidney disease. Last evaluated: 2024-09-03. Review status: criteria provided, single submitter. Criteria: Invitae Variant Classification Sherloc (09022015). Collection method: clinical testing. Allele origin: germline.
Comment: This sequence change replaces glutamine, which is neutral and polar, with glutamic acid, which is acidic and polar, at codon 8 of the PKD2 protein (p.Gln8Glu). This variant is not present in population databases (gnomAD no frequency). This variant has not been reported in the literature in individuals affected with PKD2-related conditions. An algorithm developed to predict the effect of missense changes on protein structure and function (PolyPhen-2) suggests that this variant is likely to be disruptive. In summary, the available evidence is currently insufficient to determine the role of this variant in disease. Therefore, it has been classified as a Variant of Uncertain Significance.